The following is an entry in ClinVar:

NM_003327.4(TNFRSF4):c.7G>A (p.Val3Met)

Gene: TNFRSF4 (TNF receptor superfamily member 4; minus strand). Cytogenetic location: 1p36.33.
Variant type: single nucleotide variant.
Coding change: c.7G>A on transcript NM_003327.4 (MANE Select); coding-DNA position 7, G replaced by A.
Protein change: p.Val3Met; replaces valine 3 with methionine.
Molecular consequence: missense variant.
Genome position (GRCh38, 1-based): chr1:1,214,121, C>T on the plus strand (G>A on the coding strand, the complement: TNFRSF4 is on the minus strand). VCF-style: chr1-1214121-C-T. GRCh37 (hg19) VCF-style: chr1-1149501-C-T.
Other names: short protein forms V3M.
Identifiers: ClinVar variation 1011115 (VCV001011115.8), dbSNP rs751046781, ClinGen allele CA337803302.
Genomic context (GRCh38, chr1:1,214,121, plus strand): 5'-GCCCCAGGCCCAGGAGGAGCAGAGCCGCACACGGCCCGCGGCCCAGCCGCCGAGCCCCCA[C>T]GCACATCCTCGTCTCTGCTGTCGCCAGAGTCTGGGTTTTCCTTGCGGGGTGTGGCTATAA-3'
Protein context (NP_003318.1, residues 1-13): MC[Val3Met]GARRLGRGPC

ClinVar aggregate classification (germline): Uncertain significance (1 of 4 stars; one submission).

Conditions:
Combined immunodeficiency due to OX40 deficiency. Also called: Immunodeficiency 16; OX40 DEFICIENCY. Identifiers: Orphanet 431149, MedGen C3810053, MONDO:0014268, OMIM 615593.

Allele frequency attached by ClinVar (database versions not stated): TOPMed 0.00001.
gnomAD v4.1: 12 of 1,579,564 alleles (0.00076%); highest among the groups gnomAD compares: South Asian, 0.0057%; no homozygotes.

Submission:

Labcorp Genetics (formerly Invitae), Labcorp
Classification: Uncertain significance for Combined immunodeficiency due to OX40 deficiency. Last evaluated: 2022-09-13. Review status: criteria provided, single submitter. Criteria: Invitae Variant Classification Sherloc (09022015). Collection method: clinical testing. Allele origin: germline.
Comment: This variant has not been reported in the literature in individuals affected with TNFRSF4-related conditions. This sequence change replaces valine, which is neutral and non-polar, with methionine, which is neutral and non-polar, at codon 3 of the TNFRSF4 protein (p.Val3Met). The frequency data for this variant in the population databases is considered unreliable, as metrics indicate poor data quality at this position in the gnomAD database. ClinVar contains an entry for this variant (Variation ID: 1011115). Algorithms developed to predict the effect of missense changes on protein structure and function are either unavailable or do not agree on the potential impact of this missense change (SIFT: "Deleterious"; PolyPhen-2: "Not Available"; Align-GVGD: "Class C0"). In summary, the available evidence is currently insufficient to determine the role of this variant in disease. Therefore, it has been classified as a Variant of Uncertain Significance.